The following is an entry in ClinVar:

ClinVar aggregate classification (germline): Uncertain significance (1 of 4 stars; one submission).

Allele frequency attached by ClinVar (database versions not stated): gnomAD exomes below 0.00001; gnomAD 0.00001.
gnomAD v4.1: 2 of 1,600,176 alleles (0.00012%); highest among the groups gnomAD compares: Admixed American, 0.0018%; no homozygotes.

Submission:

GeneDx
Classification: Uncertain significance. Last evaluated: 2018-08-17. Review status: criteria provided, single submitter. Criteria: GeneDx Variant Classification Process June 2021. Collection method: clinical testing. Allele origin: germline. Affected: yes.
Comment: Not observed in large population cohorts (Lek et al., 2016); Has not been previously published as pathogenic or benign to our knowledge

NM_001271.4(CHD2):c.2352+3A>G

Gene: CHD2 (chromodomain helicase DNA binding protein 2; plus strand). Cytogenetic location: 15q26.1.
Variant type: single nucleotide variant.
Coding change: c.2352+3A>G on transcript NM_001271.4 (MANE Select); 3 bases into the intron after coding-DNA position 2352, A replaced by G.
Molecular consequence: intron variant.
Genome position (GRCh38, 1-based): chr15:92,971,930, A>G. VCF-style: chr15-92971930-A-G. GRCh37 (hg19) VCF-style: chr15-93515160-A-G.
Identifiers: ClinVar variation 1304079 (VCV001304079.2), dbSNP rs2053846534, ClinGen allele CA972870663.